The following is an entry in ClinVar:

NM_000784.4(CYP27A1):c.1517G>A (p.Gly506Glu)

Gene: CYP27A1 (cytochrome P450 family 27 subfamily A member 1; plus strand). Cytogenetic location: 2q35.
Variant type: single nucleotide variant.
Coding change: c.1517G>A on transcript NM_000784.4 (MANE Select); coding-DNA position 1517, G replaced by A.
Protein change: p.Gly506Glu; replaces glycine 506 with glutamic acid.
Molecular consequence: missense variant.
Genome position (GRCh38, 1-based): chr2:218,814,951, G>A. VCF-style: chr2-218814951-G-A. GRCh37 (hg19) VCF-style: chr2-219679674-G-A.
Other names: short protein forms G506E.
Identifiers: ClinVar variation 1983359 (VCV001983359.4), dbSNP rs1943773832, ClinGen allele CA350596330.
Genomic context (GRCh38, chr2:218,814,951, plus strand): 5'-ATGTGCTCTTTACCCCCCAGCTGATCCAGAAGTACAAGGTGGTCCTGGCCCCGGAGACGG[G>A]GGAGTTGAAGAGTGTGGCCCGCATTGTCCTGGTTCCCAATAAGAAAGTGGGCCTGCAGTT-3'
Protein context (NP_000775.1, residues 496-516): KYKVVLAPET[Gly506Glu]ELKSVARIVL

ClinVar aggregate classification (germline): Uncertain significance (1 of 4 stars; one submission).

Conditions:
Cholestanol storage disease (CTX). Also called: CEREBRAL CHOLESTERINOSIS; CTX: Cerebrotendinous xanthomatosis; Cerebrotendinous Xanthomatosis. Identifiers: Orphanet 909, MedGen C0238052, MONDO:0008948, OMIM 213700.

Allele frequency attached by ClinVar (database versions not stated): gnomAD exomes below 0.00001; TOPMed below 0.00001.
gnomAD v4.1: 1 of 1,614,250 alleles (0.000062%); highest among the groups gnomAD compares: African/African-American, 0.0013%; no homozygotes.

Submission:

Labcorp Genetics (formerly Invitae), Labcorp
Classification: Uncertain significance for Cholestanol storage disease. Last evaluated: 2022-10-17. Review status: criteria provided, single submitter. Criteria: Invitae Variant Classification Sherloc (09022015). Collection method: clinical testing. Allele origin: germline.
Comment: Advanced modeling of protein sequence and biophysical properties (such as structural, functional, and spatial information, amino acid conservation, physicochemical variation, residue mobility, and thermodynamic stability) performed at Invitae indicates that this missense variant is not expected to disrupt CYP27A1 protein function. In summary, the available evidence is currently insufficient to determine the role of this variant in disease. Therefore, it has been classified as a Variant of Uncertain Significance. This sequence change replaces glycine, which is neutral and non-polar, with glutamic acid, which is acidic and polar, at codon 506 of the CYP27A1 protein (p.Gly506Glu). This variant is not present in population databases (gnomAD no frequency). This variant has not been reported in the literature in individuals affected with CYP27A1-related conditions.